The following is an entry in ClinVar:

NM_002878.4(RAD51D):c.620C>G (p.Ser207Trp)

Genes: RAD51L3-RFFL (RAD51L3-RFFL readthrough; minus strand), RAD51D (RAD51 paralog D; minus strand). Cytogenetic location: 17q12.
Variant type: single nucleotide variant.
Coding change: c.620C>G on transcript NM_002878.4 (MANE Select); coding-DNA position 620, C replaced by G.
Protein change: p.Ser207Trp; replaces serine 207 with tryptophan.
Molecular consequence: missense variant. On other transcripts: non-coding transcript variant (3).
Genome position (GRCh38, 1-based): chr17:35,103,501, G>C on the plus strand (C>G on the coding strand, the complement: RAD51D is on the minus strand). VCF-style: chr17-35103501-G-C. GRCh37 (hg19) VCF-style: chr17-33430520-G-C.
Other names: c.680C>G, p.Ser227Trp (NM_001142571.2); c.284C>G, p.Ser95Trp (NM_133629.3); short protein forms S207W, S227W, S95W.
Identifiers: ClinVar variation 480538 (VCV000480538.19), dbSNP rs370228071, ClinGen allele CA399087914.
Genomic context (GRCh38, chr17:35,103,501, plus strand): 5'-CCACATCACTCACCTTCCCTCTGCTGACCTCCCAGAAGTGGGGAAACCACCGCAGTGACC[G>C]AGTCCACAACCACCACCTTCACAGTTCCTGAAGAACCAGTCACCTGAAGGAATGTGGGGG-3'
Protein context (NP_002869.3, residues 197-217): SGTVKVVVVD[Ser207Trp]VTAVVSPLLG

ClinVar aggregate classification (germline): Conflicting classifications of pathogenicity. Review status: criteria provided, conflicting classifications (1 of 4 stars). 5 submissions from 5 submitters: Likely pathogenic (2); Uncertain significance (3). Last evaluated 2025-12-10.

Conditions:
Breast-ovarian cancer, familial, susceptibility to, 4. Identifiers: Orphanet 145, MedGen C3280345, MONDO:0013669, OMIM 614291.
Hereditary cancer-predisposing syndrome. Also called: Hereditary Cancer Syndrome; Neoplastic Syndromes, Hereditary; Tumor predisposition; Hereditary neoplastic syndrome. Identifiers: Orphanet 140162, MedGen C0027672, MeSH D009386, MONDO:0015356.

gnomAD v4.1: 1 of 1,614,150 alleles (0.000062%); highest among the groups gnomAD compares: Non-Finnish European, 0.000085%; no homozygotes.

Submissions (5):

Ambry Genetics
Classification: Likely pathogenic for Hereditary cancer-predisposing syndrome. Last evaluated: 2025-12-10. Review status: criteria provided, single submitter. Criteria: Ambry Variant Classification Scheme 2023. Collection method: clinical testing. Allele origin: germline.
Comment: The p.S207W variant (also known as c.620C>G), located in coding exon 7 of the RAD51D gene, results from a C to G substitution at nucleotide position 620. The serine at codon 207 is replaced by tryptophan, an amino acid with highly dissimilar properties. Another variant at the same codon, p.S207L (c.620C>T), has showed segregation with breast or ovarian cancer in four families, a strong association with ovarian cancer in a case-control study (P=2x10-6), and impaired homologous recombination, XRCC2 binding, and RAD51 foci formation in functional studies (Rivera B et al. Cancer Res., 2017 Aug;77:4517-4529). This alteration is located in the highly conserved Walker B motif of the RAD51D protein that is required for ATPase function and XRCC2 binding (Wiese C et al. Nucleic Acids Res., 2006 May;34:2833-43). This amino acid position is highly conserved in available vertebrate species. In addition, this alteration is predicted to be deleterious by in silico analysis. This variant is considered to be rare based on population cohorts in the Genome Aggregation Database (gnomAD). Based on the majority of available evidence to date, this variant is likely to be pathogenic.

Women's Health and Genetics/Laboratory Corporation of America, LabCorp
Classification: Uncertain significance. Last evaluated: 2024-12-27. Review status: criteria provided, single submitter. Criteria: LabCorp Variant Classification Summary - May 2015. Collection method: clinical testing. Allele origin: germline.
Comment: Variant summary: RAD51D c.620C>G (p.Ser207Trp) results in a non-conservative amino acid change located in the AAA+ ATPase domain (IPR003593) of the encoded protein sequence. Five of five in-silico tools predict a damaging effect of the variant on protein function. The variant was absent in 251406 control chromosomes. The available data on variant occurrences in the general population are insufficient to allow any conclusion about variant significance. c.620C>G has been reported in the literature as a VUS in settings of multigene panel testing in at-least one individual affected with a personal and/or family history of breast and/or ovarian cancer (example, Tsaousis_2019). These report(s) do not provide unequivocal conclusions about association of the variant with Hereditary Breast And Ovarian Cancer Syndrome. A different variant affecting the same codon has been classified as pathogenic (c.620C>T, p.Ser207Leu), supporting the critical relevance of codon 207 to RAD51D protein function. To our knowledge, no experimental evidence demonstrating an impact on protein function has been reported. The following publication has been ascertained in the context of this evaluation (PMID: 31159747). ClinVar contains an entry for this variant (Variation ID: 480538). Based on the evidence outlined above, the variant was classified as uncertain significance.

Labcorp Genetics (formerly Invitae), Labcorp
Classification: Likely pathogenic for Breast-ovarian cancer, familial, susceptibility to, 4. Last evaluated: 2024-03-14. Review status: criteria provided, single submitter. Criteria: Invitae Variant Classification Sherloc (09022015). Collection method: clinical testing. Allele origin: germline.
Comment: This sequence change replaces serine, which is neutral and polar, with tryptophan, which is neutral and slightly polar, at codon 207 of the RAD51D protein (p.Ser207Trp). This variant is not present in population databases (gnomAD no frequency). This missense change has been observed in individual(s) with breast and/or ovarian cancer (PMID: 31159747). ClinVar contains an entry for this variant (Variation ID: 480538). Advanced modeling of protein sequence and biophysical properties (such as structural, functional, and spatial information, amino acid conservation, physicochemical variation, residue mobility, and thermodynamic stability) performed at Invitae indicates that this missense variant is expected to disrupt RAD51D protein function with a positive predictive value of 80%. This variant disrupts the p.Ser207 amino acid residue in RAD51D. Other variant(s) that disrupt this residue have been determined to be pathogenic (PMID: 21822267, 22986143, 25186627, 26845104, 26976419, 28646019). This suggests that this residue is clinically significant, and that variants that disrupt this residue are likely to be disease-causing. In summary, the currently available evidence indicates that the variant is pathogenic, but additional data are needed to prove that conclusively. Therefore, this variant has been classified as Likely Pathogenic.

Color Diagnostics, LLC DBA Color Health
Classification: Uncertain significance for Hereditary cancer-predisposing syndrome. Last evaluated: 2020-07-13. Review status: criteria provided, single submitter. Criteria: ACMG Guidelines, 2015. Collection method: clinical testing. Allele origin: germline.
Comment: This missense variant replaces serine with tryptophan at codon 207 of the RAD51D protein. Computational prediction suggests that this variant may have deleterious impact on protein structure and function (internally defined REVEL score threshold >= 0.7, PMID: 27666373). To our knowledge, functional studies have not been reported for this variant. This variant has not been reported in individuals affected with hereditary cancer in the literature. A different variant affecting the same codon, p.Ser207Leu, is considered to be disease-causing (ClinVar variation ID 142102 and PMID 28646019). This variant has not been identified in the general population by the Genome Aggregation Database (gnomAD). The available evidence is insufficient to determine the role of this variant in disease conclusively. Therefore, this variant is classified as a Variant of Uncertain Significance.

GeneKor MSA
Classification: Uncertain significance for Hereditary cancer-predisposing syndrome. Last evaluated: 2018-08-01. Review status: criteria provided, single submitter. Criteria: ACMG Guidelines, 2015. Collection method: clinical testing. Allele origin: germline. Affected: yes.

Literature cited by the submitters: PubMed 28646019 (cited by Ambry Genetics and Labcorp Genetics (formerly Invitae), Labcorp); PubMed 31159747 (cited by Women's Health and Genetics/Laboratory Corporation of America, LabCorp and Labcorp Genetics (formerly Invitae), Labcorp); PubMed 21822267 (cited by Labcorp Genetics (formerly Invitae), Labcorp); PubMed 22986143 (cited by Labcorp Genetics (formerly Invitae), Labcorp); PubMed 25186627 (cited by Labcorp Genetics (formerly Invitae), Labcorp); PubMed 26845104 (cited by Labcorp Genetics (formerly Invitae), Labcorp); PubMed 26976419 (cited by Labcorp Genetics (formerly Invitae), Labcorp).